The following is an entry in ClinVar:

NM_016203.4(PRKAG2):c.1615G>A (p.Asp539Asn)

Gene: PRKAG2 (protein kinase AMP-activated non-catalytic subunit gamma 2; minus strand). Cytogenetic location: 7q36.1.
Variant type: single nucleotide variant.
Coding change: c.1615G>A on transcript NM_016203.4 (MANE Select); coding-DNA position 1615, G replaced by A.
Protein change: p.Asp539Asn; replaces aspartic acid 539 with asparagine.
Molecular consequence: missense variant.
Genome position (GRCh38, 1-based): chr7:151,560,587, C>T on the plus strand (G>A on the coding strand, the complement: PRKAG2 is on the minus strand). VCF-style: chr7-151560587-C-T. GRCh37 (hg19) VCF-style: chr7-151257673-C-T.
Other names: c.1483G>A, p.Asp495Asn (NM_001040633.2); c.1240G>A, p.Asp414Asn (NM_001304527.2); c.892G>A, p.Asp298Asn (NM_001304531.2, NM_024429.2); c.1243G>A, p.Asp415Asn (NM_001363698.2); short protein forms D298N, D414N, D495N, D415N, D539N.
Identifiers: ClinVar variation 927658 (VCV000927658.7), dbSNP rs1804709862, ClinGen allele CA370070358.
Genomic context (GRCh38, chr7:151,560,587, plus strand): 5'-CTGGTGTGAGGATCAGGGCTTGCAGAATGTCCGACAGGGAAATAATACCCACAATACTAT[C>T]TGCTTCATTTACCACCACCAGCCGATGGACCTGCAAAGAGAAAAGCAGGACACGTGAAAA-3'
Protein context (NP_057287.2, residues 529-549): VHRLVVVNEA[Asp539Asn]SIVGIISLSD

ClinVar aggregate classification (germline): Uncertain significance. Review status: criteria provided, multiple submitters, no conflicts (2 of 4 stars). 2 submissions from 2 submitters: Uncertain significance (2). Last evaluated 2025-04-01.

Conditions:
Lethal congenital glycogen storage disease of heart. Also called: PHOSPHORYLASE KINASE DEFICIENCY OF HEART; GLYCOGEN STORAGE DISEASE OF HEART. Identifiers: Orphanet 439854, MedGen C1849813, MONDO:0009867, OMIM 261740.
Cardiomyopathy (CMYO). Also called: Cardiomyopathies. Identifiers: Orphanet 167848, MedGen C0878544, MONDO:0004994, HP:0001638. Inheritance: Various modes of inheritance.

gnomAD v4.1: 1 of 1,614,044 alleles (0.000062%); highest among the groups gnomAD compares: African/African-American, 0.0013%; no homozygotes.

Submissions (2):

Labcorp Genetics (formerly Invitae), Labcorp
Classification: Uncertain significance for Lethal congenital glycogen storage disease of heart. Last evaluated: 2025-04-01. Review status: criteria provided, single submitter. Criteria: Invitae Variant Classification Sherloc (09022015). Collection method: clinical testing. Allele origin: germline.
Comment: This sequence change replaces aspartic acid, which is acidic and polar, with asparagine, which is neutral and polar, at codon 539 of the PRKAG2 protein (p.Asp539Asn). This variant is not present in population databases (gnomAD no frequency). This variant has not been reported in the literature in individuals affected with PRKAG2-related conditions. ClinVar contains an entry for this variant (Variation ID: 927658). Invitae Evidence Modeling of protein sequence and biophysical properties (such as structural, functional, and spatial information, amino acid conservation, physicochemical variation, residue mobility, and thermodynamic stability) indicates that this missense variant is not expected to disrupt PRKAG2 protein function with a negative predictive value of 95%. In summary, the available evidence is currently insufficient to determine the role of this variant in disease. Therefore, it has been classified as a Variant of Uncertain Significance.

Color Diagnostics, LLC DBA Color Health
Classification: Uncertain significance for Cardiomyopathy. Last evaluated: 2024-03-06. Review status: criteria provided, single submitter. Criteria: ACMG Guidelines, 2015. Collection method: clinical testing. Allele origin: germline.
Comment: This missense variant replaces aspartic acid with asparagine at codon 539 of the PRKAG2 protein. Computational prediction tool suggests that this variant may not impact protein structure and function (internally defined REVEL score threshold <=0.5, PMID: 27666373). Splice site prediction tools suggest that this variant may not impact RNA splicing. To our knowledge, functional studies have not been performed for this variant. This variant has not been reported in individuals affected with cardiovascular disorders in the literature. This variant has not been identified in the general population by the Genome Aggregation Database (gnomAD). The available evidence is insufficient to determine the role of this variant in disease conclusively. Therefore, this variant is classified as a Variant of Uncertain Significance.